The following is an entry in ClinVar:

NM_002972.4(SBF1):c.263C>T (p.Pro88Leu)

Gene: SBF1 (SET binding factor 1; minus strand). Cytogenetic location: 22q13.33.
Variant type: single nucleotide variant.
Coding change: c.263C>T on transcript NM_002972.4 (MANE Select); coding-DNA position 263, C replaced by T.
Protein change: p.Pro88Leu; replaces proline 88 with leucine.
Molecular consequence: missense variant.
Genome position (GRCh38, 1-based): chr22:50,467,802, G>A on the plus strand (C>T on the coding strand, the complement: SBF1 is on the minus strand). VCF-style: chr22-50467802-G-A. GRCh37 (hg19) VCF-style: chr22-50906231-G-A.
Other names: c.263C>T, p.Pro88Leu (NM_001365819.1); short protein forms P88L.
Identifiers: ClinVar variation 1309120 (VCV001309120.5), dbSNP rs773556750, ClinGen allele CA10318181.

ClinVar aggregate classification (germline): Uncertain significance. Review status: criteria provided, multiple submitters, no conflicts (2 of 4 stars). 3 submissions from 3 submitters: Uncertain significance (3). Last evaluated 2024-10-29.

Allele frequency attached by ClinVar (database versions not stated): ExAC 0.00002; gnomAD 0.00003; gnomAD exomes 0.00003 and 0.00005; TOPMed 0.00003.
gnomAD v4.1: 79 of 1,613,856 alleles (0.0049%); highest among the groups gnomAD compares: Non-Finnish European, 0.0065%; no homozygotes.

Submissions (3):

Ambry Genetics
Classification: Uncertain significance. Last evaluated: 2024-10-29. Review status: criteria provided, single submitter. Criteria: Ambry Variant Classification Scheme 2023. Collection method: clinical testing. Allele origin: germline.

Labcorp Genetics (formerly Invitae), Labcorp
Classification: Uncertain significance. Last evaluated: 2022-01-16. Review status: criteria provided, single submitter. Criteria: Invitae Variant Classification Sherloc (09022015). Collection method: clinical testing. Allele origin: germline.
Comment: This sequence change replaces proline, which is neutral and non-polar, with leucine, which is neutral and non-polar, at codon 88 of the SBF1 protein (p.Pro88Leu). This variant is present in population databases (rs773556750, gnomAD 0.006%). This variant has not been reported in the literature in individuals affected with SBF1-related conditions. ClinVar contains an entry for this variant (Variation ID: 1309120). Algorithms developed to predict the effect of missense changes on protein structure and function (SIFT, PolyPhen-2, Align-GVGD) all suggest that this variant is likely to be tolerated. In summary, the available evidence is currently insufficient to determine the role of this variant in disease. Therefore, it has been classified as a Variant of Uncertain Significance.

GeneDx
Classification: Uncertain significance. Last evaluated: 2019-10-15. Review status: criteria provided, single submitter. Criteria: GeneDx Variant Classification Process June 2021. Collection method: clinical testing. Allele origin: germline. Affected: yes.
Comment: Not observed in large population cohorts (Lek et al., 2016); In silico analysis, which includes protein predictors and evolutionary conservation, supports a deleterious effect; Has not been previously published as pathogenic or benign to our knowledge